The following is an entry in ClinVar:

ClinVar aggregate classification (germline): Uncertain significance (1 of 4 stars; one submission).

Conditions:
Developmental and epileptic encephalopathy, 90. Identifiers: MedGen C5542345, MONDO:0025353, OMIM 301058.

gnomAD v4.1: 1 of 1,211,132 alleles (0.000083%); highest among the groups gnomAD compares: South Asian, 0.0018%; no homozygotes.

Submission:

Neuberg Centre For Genomic Medicine, NCGM
Classification: Uncertain significance for Developmental and epileptic encephalopathy, 90. Last evaluated: 2023-05-20. Review status: criteria provided, single submitter. Criteria: ACMG Guidelines, 2015. Collection method: clinical testing. Allele origin: germline. Inheritance: X-linked dominant inheritance. Affected: yes.
Comment: The missense variant c.589A>G(p.Lys197Glu) in FGF13 gene has not been reported previously as a pathogenic variant nor as a benign variant, to our knowledge. The observed variant is absent in gnomAD exomes database. This variant has not been submitted to the ClinVar database. The amino acid change p.Lys197Glu in FGF13 is predicted as conserved by GERP++ and PhyloP across 100 vertebrates. Multiple lines of computational evidence (Polyphen - probably damaging , SIFT - damaging and MutationTaster - disease causing) predict a damaging effect on protein structure and function for this variant. The amino acid Lys at position 197 is changed to a Glu changing protein sequence and it might alter its composition and physico-chemical properties. For these reasons, this variant has been classified as Uncertain Significance (VUS).

NM_004114.5(FGF13):c.589A>G (p.Lys197Glu)

Gene: FGF13 (fibroblast growth factor 13; minus strand). Cytogenetic location: Xq26.3.
Variant type: single nucleotide variant.
Coding change: c.589A>G on transcript NM_004114.5 (MANE Select); coding-DNA position 589, A replaced by G.
Protein change: p.Lys197Glu; replaces lysine 197 with glutamic acid.
Molecular consequence: missense variant.
Genome position (GRCh38, 1-based): chrX:138,635,469, T>C on the plus strand (A>G on the coding strand, the complement: FGF13 is on the minus strand). VCF-style: chrX-138635469-T-C. GRCh37 (hg19) VCF-style: chrX-137717630-T-C.
Other names: c.451A>G, p.Lys151Glu (NM_001139498.2); c.619A>G, p.Lys207Glu (NM_001139500.2); c.532A>G, p.Lys178Glu (NM_001139501.2, NM_001139502.2); c.430A>G, p.Lys144Glu (NM_033642.3); short protein forms K144E, K151E, K178E, K197E, K207E.
Identifiers: ClinVar variation 3341477 (VCV003341477.1).